The following is an entry in ClinVar:

NM_002334.4(LRP4):c.1184-2A>G

Gene: LRP4 (LDL receptor related protein 4; minus strand). Cytogenetic location: 11p11.2.
Variant type: single nucleotide variant.
Coding change: c.1184-2A>G on transcript NM_002334.4 (MANE Select); the canonical splice acceptor site of the intron before coding-DNA position 1184, A replaced by G.
Molecular consequence: splice acceptor variant.
Genome position (GRCh38, 1-based): chr11:46,895,293, T>C on the plus strand (A>G on the coding strand, the complement: LRP4 is on the minus strand). VCF-style: chr11-46895293-T-C. GRCh37 (hg19) VCF-style: chr11-46916844-T-C.
Identifiers: ClinVar variation 2925899 (VCV002925899.3), dbSNP rs1223476227, ClinGen allele CA380286517.

ClinVar aggregate classification (germline): Likely pathogenic (1 of 4 stars; one submission).

Conditions:
Cenani-Lenz syndactyly syndrome. Also called: SYNDACTYLY, TYPE VII; CENANI SYNDACTYLISM. Identifiers: Orphanet 3258, MedGen C1859309, MONDO:0008931, OMIM 212780.
Sclerosteosis 2 (SOST2). Identifiers: Orphanet 3152, MedGen C3280402, MONDO:0013679, OMIM 614305.
Congenital myasthenic syndrome 17. Identifiers: Orphanet 590, MedGen C4225377, MONDO:0014578, OMIM 616304.

Allele frequency attached by ClinVar (database versions not stated): gnomAD exomes below 0.00001.
gnomAD v4.1: 1 of 1,612,798 alleles (0.000062%); highest among the groups gnomAD compares: Admixed American, 0.0017%; no homozygotes.

Submission:

Labcorp Genetics (formerly Invitae), Labcorp
Classification: Likely pathogenic for Cenani-Lenz syndactyly syndrome; Sclerosteosis 2; Congenital myasthenic syndrome 17. Last evaluated: 2024-06-17. Review status: criteria provided, single submitter. Criteria: Invitae Variant Classification Sherloc (09022015). Collection method: clinical testing. Allele origin: germline.
Comment: This sequence change affects an acceptor splice site in intron 10 of the LRP4 gene. It is expected to disrupt RNA splicing. Variants that disrupt the donor or acceptor splice site typically lead to a loss of protein function (PMID: 16199547), and loss-of-function variants in LRP4 are known to be pathogenic (PMID: 23636941, 24924585). This variant is present in population databases (no rsID available, gnomAD 0.003%). This variant has not been reported in the literature in individuals affected with LRP4-related conditions. Algorithms developed to predict the effect of sequence changes on RNA splicing suggest that this variant may disrupt the consensus splice site. In summary, the currently available evidence indicates that the variant is pathogenic, but additional data are needed to prove that conclusively. Therefore, this variant has been classified as Likely Pathogenic.

Literature cited by the submitters: PubMed 16199547; PubMed 23636941; PubMed 24924585.